The following is an entry in ClinVar:

NM_001164665.2(KIAA1549):c.899C>T (p.Pro300Leu)

Gene: KIAA1549 (KIAA1549; minus strand). Cytogenetic location: 7q34.
Variant type: single nucleotide variant.
Coding change: c.899C>T on transcript NM_001164665.2 (MANE Select); coding-DNA position 899, C replaced by T.
Protein change: p.Pro300Leu; replaces proline 300 with leucine.
Molecular consequence: missense variant.
Genome position (GRCh38, 1-based): chr7:138,918,727, G>A on the plus strand (C>T on the coding strand, the complement: KIAA1549 is on the minus strand). VCF-style: chr7-138918727-G-A. GRCh37 (hg19) VCF-style: chr7-138603473-G-A.
Other names: c.899C>T, p.Pro300Leu (NM_020910.3); short protein forms P300L.
Identifiers: ClinVar variation 971999 (VCV000971999.7), dbSNP rs201014208, ClinGen allele CA4506834.
Genomic context (GRCh38, chr7:138,918,727, plus strand): 5'-TCTGCACTTGTGGCCCAAACCTCCTCTGGAGGCTGTGAGACCTCCCCCAAGGAGGGCAAC[G>A]GTATAGTAATGCCGTCGCCTAACGGCTGTGGCATTAAAGACCGGGAGCTTAAAAAAAGGG-3'
Protein context (NP_001158137.1, residues 290-310): PQPLGDGITI[Pro300Leu]LPSLGEVSQP

ClinVar aggregate classification (germline): Conflicting classifications of pathogenicity. Review status: criteria provided, conflicting classifications (1 of 4 stars). 2 submissions from 2 submitters: Uncertain significance (1); Likely benign (1). Last evaluated 2024-12-02.

Allele frequency attached by ClinVar (database versions not stated): 1000 Genomes Project 0.00040; TOPMed 0.00040; gnomAD 0.00045 and 0.00047; 1000 Genomes Project 30x 0.00047; ESP Exome Variant Server 0.00050.
gnomAD v4.1: 1,061 of 1,613,864 alleles (0.066%); highest among the groups gnomAD compares: Non-Finnish European, 0.081%; no homozygotes.

Submissions (2):

Labcorp Genetics (formerly Invitae), Labcorp
Classification: Uncertain significance. Last evaluated: 2024-12-02. Review status: criteria provided, single submitter. Criteria: Invitae Variant Classification Sherloc (09022015). Collection method: clinical testing. Allele origin: germline.
Comment: This sequence change replaces proline, which is neutral and non-polar, with leucine, which is neutral and non-polar, at codon 300 of the KIAA1549 protein (p.Pro300Leu). This variant is present in population databases (rs201014208, gnomAD 0.05%). This variant has not been reported in the literature in individuals affected with KIAA1549-related conditions. ClinVar contains an entry for this variant (Variation ID: 971999). An algorithm developed to predict the effect of missense changes on protein structure and function outputs the following: PolyPhen-2: "Benign". The leucine amino acid residue is found in multiple mammalian species, which suggests that this missense change does not adversely affect protein function. In summary, the available evidence is currently insufficient to determine the role of this variant in disease. Therefore, it has been classified as a Variant of Uncertain Significance.

Blueprint Genetics
Classification: Likely benign. Last evaluated: 2024-10-17. Review status: criteria provided, single submitter. Criteria: ACMG Guidelines, 2015. Collection method: clinical testing. Allele origin: germline.